The following is an entry in ClinVar:

ClinVar aggregate classification (germline): Uncertain significance. Review status: criteria provided, multiple submitters, no conflicts (2 of 4 stars). 2 submissions from 2 submitters: Uncertain significance (2). Last evaluated 2024-06-17.

Conditions:
Sotos syndrome (SOTOS). Also called: Distinctive facial appearance, overgrowth in childhood, and learning disabilities or delayed development; SOTOS SYNDROME 1; CHROMOSOME 5q35 DELETION SYNDROME; CEREBRAL GIGANTISM; Sotos' syndrome. Identifiers: Orphanet 821, MedGen C0175695, MONDO:0019349, OMIM 117550.

gnomAD v4.1: 3 of 1,614,216 alleles (0.00019%); highest among the groups gnomAD compares: Non-Finnish European, 0.00025%; no homozygotes.

Submissions (2):

Fulgent Genetics
Classification: Uncertain significance for Sotos syndrome. Last evaluated: 2024-06-17. Review status: criteria provided, single submitter. Criteria: ACMG Guidelines, 2015. Collection method: clinical testing. Allele origin: germline.

Labcorp Genetics (formerly Invitae), Labcorp
Classification: Uncertain significance. Last evaluated: 2023-06-03. Review status: criteria provided, single submitter. Criteria: Invitae Variant Classification Sherloc (09022015). Collection method: clinical testing. Allele origin: germline.
Comment: In summary, the available evidence is currently insufficient to determine the role of this variant in disease. Therefore, it has been classified as a Variant of Uncertain Significance. Advanced modeling of protein sequence and biophysical properties (such as structural, functional, and spatial information, amino acid conservation, physicochemical variation, residue mobility, and thermodynamic stability) performed at Invitae indicates that this missense variant is not expected to disrupt NSD1 protein function. This variant has not been reported in the literature in individuals affected with NSD1-related conditions. This variant is not present in population databases (gnomAD no frequency). This sequence change replaces threonine, which is neutral and polar, with alanine, which is neutral and non-polar, at codon 909 of the NSD1 protein (p.Thr909Ala).

NM_022455.5(NSD1):c.2725A>G (p.Thr909Ala)

Gene: NSD1 (nuclear receptor binding SET domain protein 1; plus strand). Cytogenetic location: 5q35.3.
Variant type: single nucleotide variant.
Coding change: c.2725A>G on transcript NM_022455.5 (MANE Select); coding-DNA position 2725, A replaced by G.
Protein change: p.Thr909Ala; replaces threonine 909 with alanine.
Molecular consequence: missense variant.
Genome position (GRCh38, 1-based): chr5:177,211,124, A>G. VCF-style: chr5-177211124-A-G. GRCh37 (hg19) VCF-style: chr5-176638125-A-G.
Other names: c.1852A>G, p.Thr618Ala (NM_001365684.2, NM_001409306.1, NM_001409307.1 and 3 more transcripts); c.2725A>G, p.Thr909Ala (NM_001409301.1, NM_001409302.1, NM_001409303.1); c.2305A>G, p.Thr769Ala (NM_001409304.1); c.1972A>G, p.Thr658Ala (NM_001409305.1); short protein forms T909A, T640A, T658A, T769A, T618A.
Identifiers: ClinVar variation 3592013 (VCV003592013.3), dbSNP rs886060440.
Genomic context (GRCh38, chr5:177,211,124, plus strand): 5'-CTTTTCTCTTCTGCTTCTAGTCAGAATCACATACCTATTGAACCAGACTACAAATTCAGT[A>G]CATTGCTAATGATGTTGAAAGATATGCATGATAGTAAGACGAAGGAGCAGCGGTTGATGA-3'
Protein context (NP_071900.2, residues 899-919): IPIEPDYKFS[Thr909Ala]LLMMLKDMHD